The following is an entry in ClinVar:

NM_001171.6(ABCC6):c.3760G>A (p.Ala1254Thr)

Gene: ABCC6 (ATP binding cassette subfamily C member 6; minus strand). Cytogenetic location: 16p13.11.
Variant type: single nucleotide variant.
Coding change: c.3760G>A on transcript NM_001171.6 (MANE Select); coding-DNA position 3760, G replaced by A.
Protein change: p.Ala1254Thr; replaces alanine 1254 with threonine.
Molecular consequence: missense variant. On other transcripts: non-coding transcript variant (1).
Genome position (GRCh38, 1-based): chr16:16,157,785, C>T on the plus strand (G>A on the coding strand, the complement: ABCC6 is on the minus strand). VCF-style: chr16-16157785-C-T. GRCh37 (hg19) VCF-style: chr16-16251642-C-T.
Other names: c.3418G>A, p.Ala1140Thr (NM_001351800.1); short protein forms A1140T, A1254T.
Identifiers: ClinVar variation 1060661 (VCV001060661.5), dbSNP rs375647381, ClinGen allele CA7925425.
Genomic context (GRCh38, chr16:16,157,785, plus strand): 5'-ATCTTAGCCCAAAGTCCCGGAACTCGATCTGCCCGCCCTGAGGCCAGGGGGGCTGAGCTG[C>T]ACATGTGGGCAGCCTCCAGGGAGCCTGGAGCAGGAGGGGAAACTGAGTCAGAGGAGCCTT-3'
Protein context (NP_001162.5, residues 1244-1264): KEAPWRLPTC[Ala1254Thr]AQPPWPQGGQ

ClinVar aggregate classification (germline): Uncertain significance (1 of 4 stars; one submission).

Allele frequency attached by ClinVar (database versions not stated): gnomAD exomes below 0.00001; ExAC 0.00001; TOPMed 0.00002; gnomAD 0.00003; ESP Exome Variant Server 0.00008.
gnomAD v4.1: 8 of 1,612,708 alleles (0.0005%); highest among the groups gnomAD compares: African/African-American, 0.011%; no homozygotes.

Submission:

Labcorp Genetics (formerly Invitae), Labcorp
Classification: Uncertain significance. Last evaluated: 2022-10-05. Review status: criteria provided, single submitter. Criteria: Invitae Variant Classification Sherloc (09022015). Collection method: clinical testing. Allele origin: germline.
Comment: This sequence change replaces alanine, which is neutral and non-polar, with threonine, which is neutral and polar, at codon 1254 of the ABCC6 protein (p.Ala1254Thr). In summary, the available evidence is currently insufficient to determine the role of this variant in disease. Therefore, it has been classified as a Variant of Uncertain Significance. Advanced modeling of protein sequence and biophysical properties (such as structural, functional, and spatial information, amino acid conservation, physicochemical variation, residue mobility, and thermodynamic stability) performed at Invitae indicates that this missense variant is not expected to disrupt ABCC6 protein function. ClinVar contains an entry for this variant (Variation ID: 1060661). This variant has not been reported in the literature in individuals affected with ABCC6-related conditions. This variant is present in population databases (rs375647381, gnomAD 0.007%).